The following is an entry in ClinVar:

ClinVar aggregate classification (germline): Benign/Likely benign. Review status: criteria provided, multiple submitters, no conflicts (2 of 4 stars). 7 submissions from 7 submitters: Benign (5); Likely benign (2). Last evaluated 2026-08-01.

Conditions:
Upshaw-Schulman syndrome (TTP). Also called: THROMBOTIC THROMBOCYTOPENIC PURPURA, HEREDITARY; Congenital thrombotic thrombocytopenic purpura. Identifiers: Orphanet 93583, MedGen C1268935, MONDO:0010122, OMIM 274150.

Allele frequency attached by ClinVar (database versions not stated): gnomAD exomes 0.00081; ExAC 0.00096; gnomAD 0.00303 and 0.00314; TOPMed 0.00343; ESP Exome Variant Server 0.00354; 1000 Genomes Project 0.00419; 1000 Genomes Project 30x 0.00437.

Submissions (7):

CeGaT Center for Human Genetics Tuebingen
Classification: Likely benign. Last evaluated: 2026-08-01. Review status: criteria provided, single submitter. Criteria: CeGaT Center For Human Genetics Tuebingen Variant Classification Criteria Version 2. Collection method: clinical testing. Allele origin: germline. Affected: yes. Observed: 1 variant allele.
Comment: ADAMTS13: BP4, BS1

Labcorp Genetics (formerly Invitae), Labcorp
Classification: Benign. Last evaluated: 2026-01-22. Review status: criteria provided, single submitter. Criteria: Invitae Variant Classification Sherloc (09022015). Collection method: clinical testing. Allele origin: germline.

Blueprint Genetics
Classification: Likely benign. Last evaluated: 2024-11-27. Review status: criteria provided, single submitter. Criteria: ACMG Guidelines, 2015. Collection method: clinical testing. Allele origin: germline.

Mayo Clinic Laboratories, Mayo Clinic
Classification: Benign. Last evaluated: 2024-06-10. Review status: criteria provided, single submitter. Criteria: ACMG Guidelines, 2015. Collection method: clinical testing. Allele origin: germline. Observed: 14 variant alleles.
Comment: BS1, BS2, BP4

Genetic Services Laboratory, University of Chicago
Classification: Benign. Last evaluated: 2019-05-31. Review status: criteria provided, single submitter. Criteria: ACMG Guidelines, 2015. Collection method: clinical testing. Allele origin: germline. Affected: no.

Illumina Laboratory Services, Illumina
Classification: Benign for Upshaw-Schulman syndrome. Last evaluated: 2017-04-28. Review status: criteria provided, single submitter. Criteria: ICSL Variant Classification Criteria 13 December 2019. Collection method: clinical testing. Allele origin: germline.
Comment: This variant was observed as part of a predisposition screen in an ostensibly healthy population. A literature search was performed for the gene, cDNA change, and amino acid change (where applicable). Publications were found based on this search. The evidence from the literature, in combination with allele frequency data from public databases where available, was sufficient to rule this variant out of causing disease. Therefore, this variant is classified as benign.

Breakthrough Genomics
Classification: Benign. Review status: criteria provided, single submitter. Criteria: ACMG Guidelines, 2015. Collection method: not provided. Allele origin: germline. Inheritance: Autosomal recessive inheritance. Affected: yes.

Literature cited by the submitters: PubMed 19847791 (cited by Illumina Laboratory Services, Illumina).

NM_139027.6(ADAMTS13):c.3509C>T (p.Thr1170Ile)

Gene: ADAMTS13 (ADAM metallopeptidase with thrombospondin type 1 motif 13; plus strand). Cytogenetic location: 9q34.2.
Variant type: single nucleotide variant.
Coding change: c.3509C>T on transcript NM_139027.6 (MANE Select); coding-DNA position 3509, C replaced by T.
Protein change: p.Thr1170Ile; replaces threonine 1170 with isoleucine.
Molecular consequence: missense variant. On other transcripts: non-coding transcript variant (1).
Genome position (GRCh38, 1-based): chr9:133,456,177, C>T. VCF-style: chr9-133456177-C-T. GRCh37 (hg19) VCF-style: chr9-136321299-C-T.
Other names: p.Thr1226Ile; c.3677C>T, p.Thr1226Ile (NM_139025.5); c.3416C>T, p.Thr1139Ile (NM_139026.6); short protein forms T1226I, T1139I, T1170I.
Identifiers: ClinVar variation 728768 (VCV000728768.19), dbSNP rs36222894, ClinGen allele CA200944844.
Genomic context (GRCh38, chr9:133,456,177, plus strand): 5'-GAGGCCCAGGGCAGGCAGACTGTGCAGTGGCCATTGGGCGGCCCCTCGGGGAGGTGGTGA[C>T]CCTCCGCGTCCTTGAGAGTTCTCTCAACTGCAGTGCGGGTATGTCTAGGGCCATGCAAGC-3'
Protein context (NP_620596.2, residues 1160-1180): AIGRPLGEVV[Thr1170Ile]LRVLESSLNC